The following is an entry in ClinVar:

NM_139058.3(ARX):c.790C>T (p.Arg264Trp)

Gene: ARX (aristaless related homeobox; minus strand). Cytogenetic location: Xp21.3.
Variant type: single nucleotide variant.
Coding change: c.790C>T on transcript NM_139058.3 (MANE Select); coding-DNA position 790, C replaced by T.
Protein change: p.Arg264Trp; replaces arginine 264 with tryptophan.
Molecular consequence: missense variant.
Genome position (GRCh38, 1-based): chrX:25,013,205, G>A on the plus strand (C>T on the coding strand, the complement: ARX is on the minus strand). VCF-style: chrX-25013205-G-A. GRCh37 (hg19) VCF-style: chrX-25031322-G-A.
Other names: short protein forms R264W.
Identifiers: ClinVar variation 4792414 (VCV004792414.1).

ClinVar aggregate classification (germline): Uncertain significance (1 of 4 stars; one submission).

Conditions:
Developmental and epileptic encephalopathy, 1 (DEE1). Also called: INFANTILE SPASM SYNDROME, X-LINKED 1; X-linked infantile spasms; West's syndrome; Tonic spasms with clustering, arrest of psychomotor development and hypsarrhythmia on EEG; X-Linked Infantile Spasm Syndrome; OHTAHARA SYNDROME, X-LINKED. Identifiers: MedGen C3463992, MONDO:0010632, OMIM 308350. Disease mechanism: loss of function.
Intellectual disability, X-linked, with or without seizures, ARX-related. Also called: MENTAL RETARDATION, X-LINKED 29; MENTAL RETARDATION, X-LINKED 32; MENTAL RETARDATION, X-LINKED 33; MENTAL RETARDATION, X-LINKED 38; MENTAL RETARDATION, X-LINKED 43; MENTAL RETARDATION, X-LINKED 76. Identifiers: Orphanet 777, MedGen C0796244, MONDO:0010317, OMIM 300419.

Submission:

Labcorp Genetics (formerly Invitae), Labcorp
Classification: Uncertain significance for Developmental and epileptic encephalopathy, 1; Intellectual disability, X-linked, with or without seizures, ARX-related. Last evaluated: 2025-06-16. Review status: criteria provided, single submitter. Criteria: Invitae Variant Classification Sherloc (09022015). Collection method: clinical testing. Allele origin: germline.
Comment: This sequence change replaces arginine, which is basic and polar, with tryptophan, which is neutral and slightly polar, at codon 264 of the ARX protein (p.Arg264Trp). The frequency data for this variant in the population databases is considered unreliable, as metrics indicate poor data quality at this position in the gnomAD database. This variant has not been reported in the literature in individuals affected with ARX-related conditions. Invitae Evidence Modeling of protein sequence and biophysical properties (such as structural, functional, and spatial information, amino acid conservation, physicochemical variation, residue mobility, and thermodynamic stability) indicates that this missense variant is not expected to disrupt ARX protein function with a negative predictive value of 80%. In summary, the available evidence is currently insufficient to determine the role of this variant in disease. Therefore, it has been classified as a Variant of Uncertain Significance.